The following is an entry in ClinVar:

ClinVar aggregate classification (germline): Uncertain significance (1 of 4 stars; one submission).

Submission:

Labcorp Genetics (formerly Invitae), Labcorp
Classification: Uncertain significance. Last evaluated: 2023-08-17. Review status: criteria provided, single submitter. Criteria: Invitae Variant Classification Sherloc (09022015). Collection method: clinical testing. Allele origin: germline.
Comment: In summary, the available evidence is currently insufficient to determine the role of this variant in disease. Therefore, it has been classified as a Variant of Uncertain Significance. Advanced modeling of protein sequence and biophysical properties (such as structural, functional, and spatial information, amino acid conservation, physicochemical variation, residue mobility, and thermodynamic stability) performed at Invitae indicates that this missense variant is not expected to disrupt MARS2 protein function. ClinVar contains an entry for this variant (Variation ID: 1715659). This variant has not been reported in the literature in individuals affected with MARS2-related conditions. This variant is not present in population databases (gnomAD no frequency). This sequence change replaces methionine, which is neutral and non-polar, with threonine, which is neutral and polar, at codon 329 of the MARS2 protein (p.Met329Thr).

NM_138395.4(MARS2):c.986T>C (p.Met329Thr)

Gene: MARS2 (methionyl-tRNA synthetase 2, mitochondrial; plus strand). Cytogenetic location: 2q33.1.
Variant type: single nucleotide variant.
Coding change: c.986T>C on transcript NM_138395.4 (MANE Select); coding-DNA position 986, T replaced by C.
Protein change: p.Met329Thr; replaces methionine 329 with threonine.
Molecular consequence: missense variant.
Genome position (GRCh38, 1-based): chr2:197,706,391, T>C. VCF-style: chr2-197706391-T-C. GRCh37 (hg19) VCF-style: chr2-198571115-T-C.
Other names: short protein forms M329T.
Identifiers: ClinVar variation 1715659 (VCV001715659.5), dbSNP rs2468941673, ClinGen allele CA350213524.